The following is an entry in ClinVar:

ClinVar aggregate classification (germline): Uncertain significance (1 of 4 stars; one submission).

Submission:

Labcorp Genetics (formerly Invitae), Labcorp
Classification: Uncertain significance. Last evaluated: 2025-08-29. Review status: criteria provided, single submitter. Criteria: Invitae Variant Classification Sherloc (09022015). Collection method: clinical testing. Allele origin: germline.
Comment: This variant results in the deletion of part of exon 51, exon 52, and part of exon 53 (c.6552_6830del) of the HSPG2 gene. This variant would be expected to be in-frame, preserving the integrity of the reading frame. This variant is not present in population databases (gnomAD no frequency). This variant has not been reported in the literature in individuals affected with HSPG2-related conditions. Experimental studies and prediction algorithms are not available or were not evaluated, and the functional significance of this variant is currently unknown. In summary, the available evidence is currently insufficient to determine the role of this variant in disease. Therefore, it has been classified as a Variant of Uncertain Significance.

NM_005529.7(HSPG2):c.6529_6807del279 (p.His2186_Trp2278del)

Genes: HSPG2 (heparan sulfate proteoglycan 2; minus strand), LOC126805655 (CDK7 strongly-dependent group 2 enhancer GRCh37_chr1:22178409-22179608; plus strand). Cytogenetic location: 1p36.12.
Variant type: Deletion.
Coding change: c.6529_6807del279 on transcript NM_005529.7 (MANE Select); coding-DNA positions 6529 to 6807, 279 bases deleted.
Protein change: p.His2186_Trp2278del.
Molecular consequence: splice acceptor variant, splice donor variant, inframe deletion.
Genome position: GRCh38: chr1:21,852,151-21,852,981. GRCh37 (hg19): chr1:22,178,644-22,179,474.
Other names: c.6532_6810del279, p.His2187_Trp2279del (NM_001291860.2).
Identifiers: ClinVar variation 4726287 (VCV004726287.1).